The following is an entry in ClinVar:

ClinVar aggregate classification (germline): Uncertain significance (1 of 4 stars; one submission).

Conditions:
Bethlem myopathy 1A. Also called: Bethlem Muscular Dystrophy; MYOPATHY, BENIGN CONGENITAL, WITH CONTRACTURES; Bethlem myopathy 1. Identifiers: Orphanet 610, MedGen CN029274, MONDO:0024530, OMIM 158810.

Allele frequency attached by ClinVar (database versions not stated): gnomAD 0.00001; gnomAD exomes 0.00002; ExAC 0.00003; TOPMed 0.00003.
gnomAD v4.1: 23 of 1,612,610 alleles (0.0014%); highest among the groups gnomAD compares: South Asian, 0.0077%; no homozygotes.

Submission:

Labcorp Genetics (formerly Invitae), Labcorp
Classification: Uncertain significance for Bethlem myopathy 1A. Last evaluated: 2023-05-22. Review status: criteria provided, single submitter. Criteria: Invitae Variant Classification Sherloc (09022015). Collection method: clinical testing. Allele origin: germline.
Comment: ClinVar contains an entry for this variant (Variation ID: 1027069). This sequence change replaces arginine, which is basic and polar, with glutamine, which is neutral and polar, at codon 468 of the COL6A2 protein (p.Arg468Gln). This variant is present in population databases (rs746541506, gnomAD 0.003%). This variant has not been reported in the literature in individuals affected with COL6A2-related conditions. Advanced modeling of protein sequence and biophysical properties (such as structural, functional, and spatial information, amino acid conservation, physicochemical variation, residue mobility, and thermodynamic stability) performed at Invitae indicates that this missense variant is not expected to disrupt COL6A2 protein function. In summary, the available evidence is currently insufficient to determine the role of this variant in disease. Therefore, it has been classified as a Variant of Uncertain Significance.

NM_001849.4(COL6A2):c.1403G>A (p.Arg468Gln)

Gene: COL6A2 (collagen type VI alpha 2 chain; plus strand). Cytogenetic location: 21q22.3.
Variant type: single nucleotide variant.
Coding change: c.1403G>A on transcript NM_001849.4 (MANE Select); coding-DNA position 1403, G replaced by A.
Protein change: p.Arg468Gln; replaces arginine 468 with glutamine.
Molecular consequence: missense variant.
Genome position (GRCh38, 1-based): chr21:46,121,068, G>A. VCF-style: chr21-46121068-G-A. GRCh37 (hg19) VCF-style: chr21-47540982-G-A.
Other names: c.1403G>A, p.Arg468Gln (NM_058174.3, NM_058175.3); short protein forms R468Q.
Identifiers: ClinVar variation 1027069 (VCV001027069.9), dbSNP rs746541506, ClinGen allele CA10071867.